The following is an entry in ClinVar:

ClinVar aggregate classification (germline): Uncertain significance (1 of 4 stars; one submission).

gnomAD v4.1: 4 of 1,613,794 alleles (0.00025%); highest among the groups gnomAD compares: African/African-American, 0.0053%; no homozygotes.

Submission:

Labcorp Genetics (formerly Invitae), Labcorp
Classification: Uncertain significance. Last evaluated: 2025-08-04. Review status: criteria provided, single submitter. Criteria: Invitae Variant Classification Sherloc (09022015). Collection method: clinical testing. Allele origin: germline.
Comment: This sequence change replaces leucine, which is neutral and non-polar, with valine, which is neutral and non-polar, at codon 1141 of the WNK4 protein (p.Leu1141Val). The frequency data for this variant in the population databases is considered unreliable, as metrics indicate poor data quality at this position in the gnomAD database. This variant has not been reported in the literature in individuals affected with WNK4-related conditions. ClinVar contains an entry for this variant (Variation ID: 3710839). Invitae Evidence Modeling of protein sequence and biophysical properties (such as structural, functional, and spatial information, amino acid conservation, physicochemical variation, residue mobility, and thermodynamic stability) indicates that this missense variant is not expected to disrupt WNK4 protein function with a negative predictive value of 95%. In summary, the available evidence is currently insufficient to determine the role of this variant in disease. Therefore, it has been classified as a Variant of Uncertain Significance.

NM_032387.5(WNK4):c.3421C>G (p.Leu1141Val)

Gene: WNK4 (WNK lysine deficient protein kinase 4; plus strand). Cytogenetic location: 17q21.2.
Variant type: single nucleotide variant.
Coding change: c.3421C>G on transcript NM_032387.5 (MANE Select); coding-DNA position 3421, C replaced by G.
Protein change: p.Leu1141Val; replaces leucine 1141 with valine.
Molecular consequence: missense variant.
Genome position (GRCh38, 1-based): chr17:42,796,023, C>G. VCF-style: chr17-42796023-C-G. GRCh37 (hg19) VCF-style: chr17-40948041-C-G.
Other names: c.2413C>G, p.Leu805Val (NM_001321299.2); short protein forms L1141V, L805V.
Identifiers: ClinVar variation 3710839 (VCV003710839.2).